The following is an entry in ClinVar:

NM_002055.5(GFAP):c.1171+471C>T

Gene: GFAP (glial fibrillary acidic protein; minus strand). Cytogenetic location: 17q21.31.
Variant type: single nucleotide variant.
Coding change: c.1171+471C>T on transcript NM_002055.5 (MANE Select); 471 bases into the intron after coding-DNA position 1171, C replaced by T.
Molecular consequence: intron variant. On other transcripts: missense variant (2), 3 prime UTR variant (1).
Genome position (GRCh38, 1-based): chr17:44,910,144, G>A on the plus strand (C>T on the coding strand, the complement: GFAP is on the minus strand). VCF-style: chr17-44910144-G-A. GRCh37 (hg19) VCF-style: chr17-42987512-G-A.
Other names: p.?; c.1288C>T, p.Arg430Cys (NM_001131019.3, NM_001363846.2); c.*325C>T (NM_001242376.3); short protein forms R430C.
Identifiers: ClinVar variation 66449 (VCV000066449.14), dbSNP rs78994946, ClinGen allele CA217132.

ClinVar aggregate classification (germline): Benign/Likely benign. Review status: criteria provided, multiple submitters, no conflicts (2 of 4 stars). 6 submissions from 6 submitters: Benign (4); Likely benign (1). 1 of the submissions does not count toward it. Last evaluated 2026-02-01.

Allele frequency attached by ClinVar (database versions not stated): 1000 Genomes Project 30x 0.00874; 1000 Genomes Project 0.00899; TOPMed 0.01973; gnomAD 0.02110 and 0.02172; gnomAD exomes 0.02271; ExAC 0.02333; ESP Exome Variant Server 0.02398.
gnomAD v4.1: 42,570 of 1,613,924 alleles (2.6%); highest among the groups gnomAD compares: Non-Finnish European, 2.9%; 665 homozygotes.

Submissions (6):

Labcorp Genetics (formerly Invitae), Labcorp
Classification: Benign. Last evaluated: 2026-02-01. Review status: criteria provided, single submitter. Criteria: Invitae Variant Classification Sherloc (09022015). Collection method: clinical testing. Allele origin: germline.

Athena Diagnostics
Classification: Benign. Last evaluated: 2025-08-25. Review status: criteria provided, single submitter. Criteria: Athena Diagnostics Criteria. Collection method: clinical testing. Allele origin: unknown.
Comment: The frequency of this variant in the general population is higher than would generally be expected for pathogenic variants in this gene.

Blueprint Genetics
Classification: Likely benign. Last evaluated: 2024-11-26. Review status: criteria provided, single submitter. Criteria: ACMG Guidelines, 2015. Collection method: clinical testing. Allele origin: germline.

Mayo Clinic Laboratories, Mayo Clinic
Classification: Benign. Last evaluated: 2023-05-09. Review status: criteria provided, single submitter. Criteria: ACMG Guidelines, 2015. Collection method: clinical testing. Allele origin: germline. Observed: 22 variant alleles.
Comment: BS1, BS2, BP4, BP7

Breakthrough Genomics
Classification: Benign. Review status: criteria provided, single submitter. Criteria: ACMG Guidelines, 2015. Collection method: not provided. Allele origin: germline. Inheritance: Autosomal dominant inheritance. Affected: yes.

Epithelial Biology;  Institute of Medical Biology, Singapore
No classification provided. Review status: no classification provided. Collection method: not provided. Allele origin: not provided. Not counted in ClinVar's aggregate classification.

Literature cited by the submitters: PubMed 23634874 (cited by Athena Diagnostics).